The following is an entry in ClinVar:

NM_002334.4(LRP4):c.3699+1G>A

Gene: LRP4 (LDL receptor related protein 4; minus strand). Cytogenetic location: 11p11.2.
Variant type: single nucleotide variant.
Coding change: c.3699+1G>A on transcript NM_002334.4 (MANE Select); the canonical splice donor site of the intron after coding-DNA position 3699, G replaced by A.
Molecular consequence: splice donor variant.
Genome position (GRCh38, 1-based): chr11:46,875,803, C>T on the plus strand (G>A on the coding strand, the complement: LRP4 is on the minus strand). VCF-style: chr11-46875803-C-T. GRCh37 (hg19) VCF-style: chr11-46897354-C-T.
Identifiers: ClinVar variation 2119457 (VCV002119457.4), dbSNP rs2539729986, ClinGen allele CA380272901.

ClinVar aggregate classification (germline): Likely pathogenic (1 of 4 stars; one submission).

Conditions:
Congenital myasthenic syndrome 17. Identifiers: Orphanet 590, MedGen C4225377, MONDO:0014578, OMIM 616304.
Cenani-Lenz syndactyly syndrome. Also called: CENANI SYNDACTYLISM; SYNDACTYLY, TYPE VII. Identifiers: Orphanet 3258, MedGen C1859309, MONDO:0008931, OMIM 212780.
Sclerosteosis 2 (SOST2). Identifiers: Orphanet 3152, MedGen C3280402, MONDO:0013679, OMIM 614305.

Submission:

Labcorp Genetics (formerly Invitae), Labcorp
Classification: Likely pathogenic for Cenani-Lenz syndactyly syndrome; Sclerosteosis 2; Congenital myasthenic syndrome 17. Last evaluated: 2023-11-27. Review status: criteria provided, single submitter. Criteria: Invitae Variant Classification Sherloc (09022015). Collection method: clinical testing. Allele origin: germline.
Comment: This sequence change affects a donor splice site in intron 26 of the LRP4 gene. It is expected to disrupt RNA splicing. Variants that disrupt the donor or acceptor splice site typically lead to a loss of protein function (PMID: 16199547), and loss-of-function variants in LRP4 are known to be pathogenic (PMID: 23636941, 24924585). This variant is not present in population databases (gnomAD no frequency). This variant has not been reported in the literature in individuals affected with LRP4-related conditions. ClinVar contains an entry for this variant (Variation ID: 2119457). Algorithms developed to predict the effect of sequence changes on RNA splicing suggest that this variant may disrupt the consensus splice site. In summary, the currently available evidence indicates that the variant is pathogenic, but additional data are needed to prove that conclusively. Therefore, this variant has been classified as Likely Pathogenic.

Literature cited by the submitters: PubMed 16199547; PubMed 23636941; PubMed 24924585.